The following is an entry in ClinVar:

NM_001122769.3(LCA5):c.1979G>A (p.Ser660Asn)

Gene: LCA5 (lebercilin LCA5; minus strand). Cytogenetic location: 6q14.1.
Variant type: single nucleotide variant.
Coding change: c.1979G>A on transcript NM_001122769.3 (MANE Select); coding-DNA position 1979, G replaced by A.
Protein change: p.Ser660Asn; replaces serine 660 with asparagine.
Molecular consequence: missense variant.
Genome position (GRCh38, 1-based): chr6:79,487,119, C>T on the plus strand (G>A on the coding strand, the complement: LCA5 is on the minus strand). VCF-style: chr6-79487119-C-T. GRCh37 (hg19) VCF-style: chr6-80196836-C-T.
Other names: c.1979G>A, p.Ser660Asn (NM_181714.4); short protein forms S660N.
Identifiers: ClinVar variation 1961109 (VCV001961109.5), dbSNP rs375203094, ClinGen allele CA3900743.

ClinVar aggregate classification (germline): Uncertain significance (1 of 4 stars; one submission).

Allele frequency attached by ClinVar (database versions not stated): gnomAD 0.00001; ExAC 0.00002; TOPMed 0.00002; ESP Exome Variant Server 0.00008.
gnomAD v4.1: 3 of 1,613,798 alleles (0.00019%); highest among the groups gnomAD compares: African/African-American, 0.004%; no homozygotes.

Submission:

Labcorp Genetics (formerly Invitae), Labcorp
Classification: Uncertain significance. Last evaluated: 2024-12-02. Review status: criteria provided, single submitter. Criteria: Invitae Variant Classification Sherloc (09022015). Collection method: clinical testing. Allele origin: germline.
Comment: This sequence change replaces serine, which is neutral and polar, with asparagine, which is neutral and polar, at codon 660 of the LCA5 protein (p.Ser660Asn). This variant is present in population databases (rs375203094, gnomAD 0.01%). This variant has not been reported in the literature in individuals affected with LCA5-related conditions. ClinVar contains an entry for this variant (Variation ID: 1961109). An algorithm developed to predict the effect of missense changes on protein structure and function outputs the following: PolyPhen-2: "Benign". The asparagine amino acid residue is found in multiple mammalian species, which suggests that this missense change does not adversely affect protein function. In summary, the available evidence is currently insufficient to determine the role of this variant in disease. Therefore, it has been classified as a Variant of Uncertain Significance.